The following is an entry in ClinVar:

NM_000393.5(COL5A2):c.181A>T (p.Ile61Phe)

Gene: COL5A2 (collagen type V alpha 2 chain; minus strand). Cytogenetic location: 2q32.2.
Variant type: single nucleotide variant.
Coding change: c.181A>T on transcript NM_000393.5 (MANE Select); coding-DNA position 181, A replaced by T.
Protein change: p.Ile61Phe; replaces isoleucine 61 with phenylalanine.
Molecular consequence: missense variant.
Genome position (GRCh38, 1-based): chr2:189,110,366, T>A on the plus strand (A>T on the coding strand, the complement: COL5A2 is on the minus strand). VCF-style: chr2-189110366-T-A. GRCh37 (hg19) VCF-style: chr2-189975092-T-A.
Other names: short protein forms I61F.
Identifiers: ClinVar variation 3623007 (VCV003623007.2).

ClinVar aggregate classification (germline): Uncertain significance (1 of 4 stars; one submission).

Conditions:
Ehlers-Danlos syndrome, classic type, 1 (EDSCL1). Also called: EHLERS-DANLOS SYNDROME, GRAVIS TYPE; EHLERS-DANLOS SYNDROME, SEVERE CLASSIC TYPE; Ehlers-Danlos syndrome, type 1; Ehlers-Danlos Syndrome, Classic Type, COL5A1-Related; EDS I. Identifiers: MedGen C0268335, MONDO:0019567, OMIM 130000.

Submission:

Labcorp Genetics (formerly Invitae), Labcorp
Classification: Uncertain significance for Ehlers-Danlos syndrome, classic type, 1. Last evaluated: 2024-06-05. Review status: criteria provided, single submitter. Criteria: Invitae Variant Classification Sherloc (09022015). Collection method: clinical testing. Allele origin: germline.
Comment: This sequence change replaces isoleucine, which is neutral and non-polar, with phenylalanine, which is neutral and non-polar, at codon 61 of the COL5A2 protein (p.Ile61Phe). This variant is not present in population databases (gnomAD no frequency). This variant has not been reported in the literature in individuals affected with COL5A2-related conditions. Advanced modeling of protein sequence and biophysical properties (such as structural, functional, and spatial information, amino acid conservation, physicochemical variation, residue mobility, and thermodynamic stability) performed at Invitae indicates that this missense variant is not expected to disrupt COL5A2 protein function with a negative predictive value of 80%. In summary, the available evidence is currently insufficient to determine the role of this variant in disease. Therefore, it has been classified as a Variant of Uncertain Significance.